The following is an entry in ClinVar:

NM_182914.3(SYNE2):c.6201G>C (p.Leu2067Phe)

Gene: SYNE2 (spectrin repeat containing nuclear envelope protein 2; plus strand). Cytogenetic location: 14q23.2.
Variant type: single nucleotide variant.
Coding change: c.6201G>C on transcript NM_182914.3 (MANE Select); coding-DNA position 6201, G replaced by C.
Protein change: p.Leu2067Phe; replaces leucine 2067 with phenylalanine.
Molecular consequence: missense variant.
Genome position (GRCh38, 1-based): chr14:64,025,370, G>C. VCF-style: chr14-64025370-G-C. GRCh37 (hg19) VCF-style: chr14-64492088-G-C.
Other names: c.6201G>C, p.Leu2067Phe (NM_015180.6); short protein forms L2067F.
Identifiers: ClinVar variation 970648 (VCV000970648.10), dbSNP rs2096969652, ClinGen allele CA389946731.

ClinVar aggregate classification (germline): Uncertain significance (1 of 4 stars; one submission).

Conditions:
Emery-Dreifuss muscular dystrophy 5, autosomal dominant (EDMD5). Also called: EMERY-DREIFUSS MUSCULAR DYSTROPHY 5. Identifiers: Orphanet 261, MedGen C2751805, MONDO:0013072, OMIM 612999.

gnomAD v4.1: 1 of 1,613,700 alleles (0.000062%); no homozygotes.

Submission:

Labcorp Genetics (formerly Invitae), Labcorp
Classification: Uncertain significance for Emery-Dreifuss muscular dystrophy 5, autosomal dominant. Last evaluated: 2022-06-03. Review status: criteria provided, single submitter. Criteria: Invitae Variant Classification Sherloc (09022015). Collection method: clinical testing. Allele origin: germline.
Comment: In summary, the available evidence is currently insufficient to determine the role of this variant in disease. Therefore, it has been classified as a Variant of Uncertain Significance. Algorithms developed to predict the effect of missense changes on protein structure and function are either unavailable or do not agree on the potential impact of this missense change (SIFT: "Deleterious"; PolyPhen-2: "Probably Damaging"; Align-GVGD: "Class C0"). ClinVar contains an entry for this variant (Variation ID: 970648). This variant has not been reported in the literature in individuals affected with SYNE2-related conditions. This variant is not present in population databases (gnomAD no frequency). This sequence change replaces leucine, which is neutral and non-polar, with phenylalanine, which is neutral and non-polar, at codon 2067 of the SYNE2 protein (p.Leu2067Phe).